The following is an entry in ClinVar:

ClinVar aggregate classification (germline): Uncertain significance (1 of 4 stars; one submission).

Allele frequency attached by ClinVar (database versions not stated): gnomAD exomes below 0.00001.
gnomAD v4.1: 1 of 1,614,024 alleles (0.000062%); highest among the groups gnomAD compares: Non-Finnish European, 0.000085%; no homozygotes.

Submission:

Labcorp Genetics (formerly Invitae), Labcorp
Classification: Uncertain significance. Last evaluated: 2020-02-10. Review status: criteria provided, single submitter. Criteria: Invitae Variant Classification Sherloc (09022015). Collection method: clinical testing. Allele origin: germline.
Comment: This variant has not been reported in the literature in individuals with MERTK-related conditions. This sequence change replaces proline with serine at codon 647 of the MERTK protein (p.Pro647Ser). The proline residue is highly conserved and there is a moderate physicochemical difference between proline and serine. This variant is not present in population databases (ExAC no frequency). Algorithms developed to predict the effect of missense changes on protein structure and function are either unavailable or do not agree on the potential impact of this missense change (SIFT: "Deleterious"; PolyPhen-2: "Possibly Damaging"; Align-GVGD: "Class C0"). In summary, the available evidence is currently insufficient to determine the role of this variant in disease. Therefore, it has been classified as a Variant of Uncertain Significance.

NM_006343.3(MERTK):c.1939C>T (p.Pro647Ser)

Gene: MERTK (MER proto-oncogene, tyrosine kinase; plus strand). Cytogenetic location: 2q13.
Variant type: single nucleotide variant.
Coding change: c.1939C>T on transcript NM_006343.3 (MANE Select); coding-DNA position 1939, C replaced by T.
Protein change: p.Pro647Ser; replaces proline 647 with serine.
Molecular consequence: missense variant.
Genome position (GRCh38, 1-based): chr2:112,008,454, C>T. VCF-style: chr2-112008454-C-T. GRCh37 (hg19) VCF-style: chr2-112766031-C-T.
Other names: short protein forms P647S.
Identifiers: ClinVar variation 1023106 (VCV001023106.9), dbSNP rs1677030361, ClinGen allele CA348233350.
Genomic context (GRCh38, chr2:112,008,454, plus strand): 5'-TCACAGCGGGAGATCGAGGAGTTTCTCAGTGAGGCAGCGTGCATGAAAGACTTCAGCCAC[C>T]CAAATGTCATTCGACTTCTAGGTACTTCCGAGAAATGCAGGAGTGGGTGGCCAAGAGGGC-3'
Protein context (NP_006334.2, residues 637-657): EAACMKDFSH[Pro647Ser]NVIRLLGVCI